The following is an entry in ClinVar:

NC_000015.9:g.(?_48805726)_(48808579_?)del

Gene: FBN1 (fibrillin 1; minus strand). Cytogenetic location: 15q21.1.
Variant type: Deletion.
Identifiers: ClinVar variation 2422442 (VCV002422442.4).

ClinVar aggregate classification (germline): Pathogenic (1 of 4 stars; one submission).

Conditions:
Marfan syndrome (MFS). Also called: MARFAN SYNDROME, TYPE I; FBN1-Related Marfan Syndrome; Marfan syndrome type 1; Marfan's syndrome; Marfan syndrome, classic. Identifiers: Orphanet 284963, Orphanet 558, MedGen C0024796, MONDO:0007947, OMIM 154700.
Familial thoracic aortic aneurysm and aortic dissection (TAAD). Also called: Thoracic aortic aneurysms and dissections. Identifiers: Orphanet 91387, MedGen C4707243, MONDO:0019625.

Submission:

Labcorp Genetics (formerly Invitae), Labcorp
Classification: Pathogenic for Marfan syndrome; Familial thoracic aortic aneurysm and aortic dissection. Last evaluated: 2022-02-03. Review status: criteria provided, single submitter. Criteria: Invitae Variant Classification Sherloc (09022015). Collection method: clinical testing. Allele origin: germline.
Comment: For these reasons, this variant has been classified as Pathogenic. This variant disrupts a region of the FBN1 protein in which other variant(s) (p.Tyr519Cys) have been determined to be pathogenic (PMID: 15241795; Invitae). This suggests that this is a clinically significant region of the protein, and that variants that disrupt it are likely to be disease-causing. This variant has not been reported in the literature in individuals affected with FBN1-related conditions. This variant is a gross deletion of the genomic region encompassing exon(s) 11-13 of the FBN1 gene. This variant would be expected to be in-frame, preserving the integrity of the reading frame.

Literature cited by the submitters: PubMed 15241795.